The following is an entry in ClinVar:

ClinVar aggregate classification (germline): Pathogenic/Likely pathogenic. Review status: criteria provided, multiple submitters, no conflicts (2 of 4 stars). 7 submissions from 7 submitters: Pathogenic (6); Likely pathogenic (1). Last evaluated 2025-10-01.

Conditions:
Hereditary cancer-predisposing syndrome. Also called: Neoplastic Syndromes, Hereditary; Tumor predisposition; Hereditary Cancer Syndrome; Hereditary neoplastic syndrome. Identifiers: Orphanet 140162, MedGen C0027672, MeSH D009386, MONDO:0015356.
Familial adenomatous polyposis 2. Also called: Adenomas, multiple colorectal; COLORECTAL ADENOMATOUS POLYPOSIS, AUTOSOMAL RECESSIVE; ADENOMAS, MULTIPLE COLORECTAL, AUTOSOMAL RECESSIVE; MYH-associated polyposis; MUTYH Polyposis; FAP type 2. Identifiers: Orphanet 220460, Orphanet 247798, MedGen C3272841, MONDO:0012041, OMIM 608456.

Submissions (7):

Labcorp Genetics (formerly Invitae), Labcorp
Classification: Pathogenic for Familial adenomatous polyposis 2. Last evaluated: 2025-10-01. Review status: criteria provided, single submitter. Criteria: Invitae Variant Classification Sherloc (09022015). Collection method: clinical testing. Allele origin: germline.
Comment: This sequence change creates a premature translational stop signal (p.Arg368Glnfs*164) in the MUTYH gene. While this is not anticipated to result in nonsense mediated decay, it is expected to disrupt the last 182 amino acid(s) of the MUTYH protein. The frequency data for this variant in the population databases is considered unreliable, as metrics indicate poor data quality at this position in the gnomAD database. This premature translational stop signal has been observed in individual(s) with attenuated familial adenomatous polyposis and colon and breast cancer (PMID: 16941501, 24953332). In at least one individual the data is consistent with being in trans (on the opposite chromosome) from a pathogenic variant. This variant is also known as c.1059dupC (Arg354Glnfs*164). ClinVar contains an entry for this variant (Variation ID: 185770). This variant disrupts the conserved PCNA binding motif of the MUTYH protein, which has been shown to be critical for MUTYH-PCNA binding and repair efficiency (PMID: 11092888, 26377631, 11433026, 11864576). While functional studies have not been performed to directly test the effect of this variant on MUTYH protein function, this suggests that disruption of this region of the protein is causative of disease. For these reasons, this variant has been classified as Pathogenic.

Ambry Genetics
Classification: Pathogenic for Hereditary cancer-predisposing syndrome. Last evaluated: 2025-08-04. Review status: criteria provided, single submitter. Criteria: Ambry Variant Classification Scheme 2023. Collection method: clinical testing. Allele origin: germline.
Comment: The c.1101dupC pathogenic mutation, located in coding exon 12 of the MUTYH gene, results from a duplication of C at nucleotide position 1101, causing a translational frameshift with a predicted alternate stop codon (p.R368Qfs*164). This alteration occurs at the 3' terminus of theMUTYH gene, is not expected to trigger nonsense-mediated mRNA decay, and impacts the last 3% of the protein. However, premature stop codons are typically deleterious in nature. This alteration has been detected in conjunction with another MUTYH mutation in patients diagnosed with colorectal cancer and/or polyps (Lejeune S. et al. Hum Mutat. 2006 Oct;27(10):1064; Castillejo A et al. Eur J Cancer. 2014 Sep;50(13):2241-50). This alteration as also been detected as monoallelic in patients diagnosed with breast or ovarian cancer (Bonache S et al. J Cancer Res Clin Oncol. 2018 Oct 10). This variant is designated as 1059dupC in published literature. Based on the supporting evidence, this variant is interpreted as a disease-causing mutation.

Molecular Diagnostics Laboratory, Catalan Institute of Oncology
Classification: Pathogenic for Hereditary cancer-predisposing syndrome. Last evaluated: 2024-10-23. Review status: criteria provided, single submitter. Criteria: ACMG Guidelines, 2015. Collection method: clinical testing. Allele origin: germline.
Comment: PVS1, PM3, PM2_supporting c.1101dup, located in exon 12 of the MUTYH gene, consists in the duplication of 1 nucleotide, causing a translational frameshift with a predicted alternate stop codon, p.(Arg368Glnfs*164). This alteration affects a critical region to protein function and the PTC is created after 532 codon (PVS1). It is not present in the population database gnomAD v2.1.1, non cancer dataset (PM2_supporting). In addition, it has been reported in ClinVar (5x as pathogenic, 1x as likely pathogenic) and in LOVD (2x likely pathogenic) databases. This variation has been observed in compound heterozygous state in multiple individuals with MUTYH-Associated Polyposis (PMID: PMID: 24953332, PMID: 16941501 and internal data) (PM3_moderate). Computational tools predict no significant impact on splicing. Based on currently available information, the variant c.1101dup is classified as a pathogenic variant according to ACMG guidelines.

All of Us Research Program, National Institutes of Health
Classification: Pathogenic for Familial adenomatous polyposis 2. Last evaluated: 2024-02-05. Review status: criteria provided, single submitter. Criteria: ACMG Guidelines, 2015. Collection method: clinical testing. Allele origin: germline. Inheritance: Autosomal recessive inheritance. Observed: 1 variant allele, 1 heterozygote.
Comment: This variant inserts 1 nucleotide in exon 12 of the MUTYH gene, creating a frameshift and premature translation stop signal. This variant is expected to result in an absent or non-functional protein product. This variant is also known as c.1059dupC (Arg354Glnfs*164). This variant has been observed in biallelic individuals affected with colorectal cancer and/or polyposis (PMID: 16941501, 24953332, 33130102). This variant has been identified in 1/250124 chromosomes in the general population by the Genome Aggregation Database (gnomAD). Loss of MUTYH function is a known mechanism of disease. Based on the available evidence, this variant is classified as Pathogenic.

This study involves interpretation of variants in research participants for the purpose of population health screening. Participant phenotype was not available at the time of variant classification. Additional details can be found in publication PMID: 35346344, PMCID: PMC8962531

Color Diagnostics, LLC DBA Color Health
Classification: Pathogenic for Hereditary cancer-predisposing syndrome. Last evaluated: 2023-10-26. Review status: criteria provided, single submitter. Criteria: ACMG Guidelines, 2015. Collection method: clinical testing. Allele origin: germline.
Comment: This variant inserts 1 nucleotide in exon 12 of the MUTYH gene, creating a frameshift and premature translation stop signal. This variant is expected to result in an absent or non-functional protein product. This variant is also known as c.1059dupC (Arg354Glnfs*164). This variant has been observed in biallelic individuals affected with colorectal cancer and/or polyposis (PMID: 16941501, 24953332, 33130102). This variant has been identified in 1/250124 chromosomes in the general population by the Genome Aggregation Database (gnomAD). Loss of MUTYH function is a known mechanism of disease. Based on the available evidence, this variant is classified as Pathogenic.

Women's Health and Genetics/Laboratory Corporation of America, LabCorp
Classification: Pathogenic for Familial adenomatous polyposis 2. Last evaluated: 2021-10-15. Review status: criteria provided, single submitter. Criteria: LabCorp Variant Classification Summary - May 2015. Collection method: clinical testing. Allele origin: germline.
Comment: Variant summary: MUTYH c.1101dupC (p.Arg368GlnfsX164) results in a premature termination codon, predicted to cause a truncation of the encoded protein or absence of the protein due to nonsense mediated decay, which are commonly known mechanisms for disease. The variant allele was found at a frequency of 4e-06 in 250124 control chromosomes (gnomAD). c.1101dupC has been reported in the literature in compound heterozygous individuals affected with MUTYH-Associated Polyposis or colorectal cancer (e.g. Lejeune_2006, Castillejo_2014, Thomas_2021). In addition, the variant has been reported in heterozygous individuals affected with breast and ovarian cancer (e.g. Bonache_2018, Feliubadalo_2019, Ramirez-Calvo_2019). To our knowledge, no experimental evidence demonstrating an impact on protein function has been reported. Four ClinVar submitters (evaluation after 2014) cite the variant as pathogenic/likely pathogenic. Based on the evidence outlined above, the variant was classified as pathogenic.

GeneDx
Classification: Likely pathogenic. Last evaluated: 2017-01-04. Review status: criteria provided, single submitter. Criteria: GeneDx Variant Classification (06012015). Collection method: clinical testing. Allele origin: germline. Affected: yes.
Comment: This duplication of one nucleotide in MUTYH is denoted c.1101dupC at the cDNA level and p.Arg368GlnfsX164 (R368QfsX164) at the protein level. The normal sequence, with the base that is duplicated in brackets, is GCCCCC[dupC]AGGG. The duplication causes a frameshift which changes an Arginine to a Glutamine at codon 368, and creates a premature stop codon at position 164 of the new reading frame. Even though nonsense-mediated decay is not expected to occur due to the position of the variant, it is significant since the last 182 amino acids are no longer translated correctly and are replaced by 163 incorrect ones. This variant is predicted to cause loss of normal protein function through protein truncation. MUTYH Arg368GlnfsX164 has been reported in the compound heterozygous state with a pathogenic MUTYH variant in an individual with colorectal and breast cancer (Castillejo 2014). Based on the currently available information, we consider this duplication to be a likely pathogenic variant.

Literature cited by the submitters: PubMed 16941501 (cited by 4 submitters); PubMed 24953332 (cited by 4 submitters); PubMed 11092888 (cited by Labcorp Genetics (formerly Invitae), Labcorp); PubMed 26377631 (cited by Labcorp Genetics (formerly Invitae), Labcorp); PubMed 11433026 (cited by Labcorp Genetics (formerly Invitae), Labcorp); PubMed 11864576 (cited by Labcorp Genetics (formerly Invitae), Labcorp); PubMed 33130102 (cited by 3 submitters); PubMed 30675318 (cited by Women's Health and Genetics/Laboratory Corporation of America, LabCorp); PubMed 30306255 (cited by Women's Health and Genetics/Laboratory Corporation of America, LabCorp); PubMed 30927264 (cited by Women's Health and Genetics/Laboratory Corporation of America, LabCorp).

NM_001048174.2(MUTYH):c.1017dup (p.Arg340fs)

Gene: MUTYH (mutY DNA glycosylase; minus strand). Cytogenetic location: 1p34.1.
Variant type: Duplication.
Coding change: c.1017dup on transcript NM_001048174.2 (MANE Select); coding-DNA position 1017, one base duplicated (C; older notation c.1017dupC).
Protein change: p.Arg340fs; shifts the reading frame from arginine 340.
Molecular consequence: frameshift variant. On other transcripts: non-coding transcript variant (2).
Genome position (GRCh38, 1-based): chr1:45,331,746, G duplicated on the plus strand (C on the coding strand, the reverse complement: MUTYH is on the minus strand); the first of 6 consecutive G bases (chr1:45,331,746-45,331,751); duplicating any one gives the same sequence. VCF-style (leftmost placement, unchanged base first): chr1-45331745-T-TG. GRCh37 (hg19) VCF-style: chr1-45797417-T-TG.
Other names: c.1101dupC (NM_001128425.1); c.1017dup, p.Arg340fs (NM_001048171.2, NM_001048173.2, NM_001293195.2); c.1020dup, p.Arg341fs (NM_001048172.2); c.1101dup, p.Arg368fs (NM_001128425.2); c.1062dup, p.Arg355fs (NM_001293190.2); c.1050dup, p.Arg351fs (NM_001293191.2); c.741dup, p.Arg248fs (NM_001293192.2, NM_001293196.2); c.672dup, p.Arg225fs (NM_001350650.2, NM_001350651.2); and 1 more; short protein forms R351fs, R225fs, R248fs, R340fs, R341fs, R355fs, R365fs, R368fs.
Identifiers: ClinVar variation 185770 (VCV000185770.25), dbSNP rs768130289, ClinGen allele CA192878.
Genomic context (GRCh38, chr1:45,331,745, plus strand): 5'-GAATTTGGGCCCCAAGGGCCCCAGGCTGTTCCAGAACACAGGTGGCAGAGCTCTCCTCCC[T>TG]GGGGGGCTTGCGGCTGGCCTTTCTGGGGAAGTTGACCACTCCCAGGGTCTGGTCCCAGGG-3'